The following is an entry in ClinVar:

NM_007103.4(NDUFV1):c.-45T>G

Genes: NDUFV1 (NADH:ubiquinone oxidoreductase core subunit V1; plus strand), LOC130006217 (ATAC-STARR-seq lymphoblastoid active region 5114; plus strand). Cytogenetic location: 11q13.2.
Variant type: single nucleotide variant.
Coding change: c.-45T>G on transcript NM_007103.4 (MANE Select); 45 bases upstream of the start codon, T replaced by G.
Molecular consequence: 5 prime UTR variant.
Genome position (GRCh38, 1-based): chr11:67,606,960, T>G. VCF-style: chr11-67606960-T-G. GRCh37 (hg19) VCF-style: chr11-67374431-T-G.
Other names: c.-45T>G (NM_001166102.2).
Identifiers: ClinVar variation 214846 (VCV000214846.7), dbSNP rs373940385, ClinGen allele CA320601.

ClinVar aggregate classification (germline): Conflicting classifications of pathogenicity. Review status: criteria provided, conflicting classifications (1 of 4 stars). 4 submissions from 3 submitters: Uncertain significance (2); Benign (1). 1 of the submissions does not count toward it. Last evaluated 2018-01-12.

Conditions:
NDUFV1-related disorder. Also called: NDUFV1-related disorders; NDUFV1-related condition.
Mitochondrial complex I deficiency, nuclear type 1. Also called: NADH-COENZYME Q REDUCTASE DEFICIENCY; MITOCHONDRIAL NADH DEHYDROGENASE COMPONENT OF COMPLEX I, DEFICIENCY OF. Identifiers: MedGen C6022305, MONDO:0100224, OMIM 252010.
Leigh syndrome (NULS). Also called: Leigh's syndrome; Leigh Disease; Subacute necrotizing encephalopathy; Necrotizing encephalopathy infantile subacute of Leigh; Leigh's necrotizing encephalopathy; Leigh's disease. Identifiers: Orphanet 506, MedGen C2931891, MONDO:0009723, OMIM 256000.

Allele frequency attached by ClinVar (database versions not stated): gnomAD exomes 0.00006 and 0.00012; 1000 Genomes Project 30x 0.00016; ExAC 0.00020; ESP Exome Variant Server 0.00054; gnomAD 0.00061 and 0.00064; TOPMed 0.00067.

Submissions (4):

Illumina Laboratory Services, Illumina
Classification: Uncertain significance for Mitochondrial complex I deficiency, nuclear type 1. Last evaluated: 2018-01-12. Review status: criteria provided, single submitter. Criteria: ICSL Variant Classification Criteria 13 December 2019. Collection method: clinical testing. Allele origin: germline.

Illumina Laboratory Services, Illumina
Classification: Uncertain significance for Leigh syndrome. Last evaluated: 2018-01-12. Review status: criteria provided, single submitter. Criteria: ICSL Variant Classification Criteria 13 December 2019. Collection method: clinical testing. Allele origin: germline.

GeneDx
Classification: Benign. Last evaluated: 2014-08-01. Review status: criteria provided, single submitter. Criteria: GeneDx Variant Classification (06012015). Collection method: clinical testing. Allele origin: germline. Affected: yes.
Comment: This variant is considered likely benign or benign based on one or more of the following criteria: it is a conservative change, it occurs at a poorly conserved position in the protein, it is predicted to be benign by multiple in silico algorithms, and/or has population frequency not consistent with disease.

PreventionGenetics, part of Exact Sciences
Classification: Likely benign for NDUFV1-related condition. Last evaluated: 2022-02-15. Review status: no assertion criteria provided. Collection method: clinical testing. Allele origin: germline. Not counted in ClinVar's aggregate classification.
Comment: This variant is classified as likely benign based on ACMG/AMP sequence variant interpretation guidelines (Richards et al. 2015 PMID: 25741868, with internal and published modifications).